The following is an entry in ClinVar:

ClinVar aggregate classification (germline): Uncertain significance (1 of 4 stars; one submission).

Submission:

Labcorp Genetics (formerly Invitae), Labcorp
Classification: Uncertain significance. Last evaluated: 2025-11-07. Review status: criteria provided, single submitter. Criteria: Invitae Variant Classification Sherloc (09022015). Collection method: clinical testing. Allele origin: germline.
Comment: This sequence change creates a premature translational stop signal (p.Tyr105*) in the CLUAP1 gene. It is expected to result in an absent or disrupted protein product. However, the current clinical and genetic evidence is not sufficient to establish whether loss-of-function variants in CLUAP1 cause disease. This variant is not present in population databases (gnomAD no frequency). This variant has not been reported in the literature in individuals affected with CLUAP1-related conditions. In summary, the available evidence is currently insufficient to determine the role of this variant in disease. Therefore, it has been classified as a Variant of Uncertain Significance.

NM_015041.3(CLUAP1):c.315del (p.Leu104_Tyr105insTer)

Gene: CLUAP1 (clusterin associated protein 1; plus strand). Cytogenetic location: 16p13.3.
Variant type: Deletion.
Coding change: c.315del on transcript NM_015041.3 (MANE Select); coding-DNA position 315, one base deleted (T; older notation c.315delT).
Protein change: p.Leu104_Tyr105insTer.
Molecular consequence: nonsense.
Genome position (GRCh38, 1-based): chr16:3,508,384, T deleted. VCF-style (leftmost placement, unchanged base first): chr16-3508383-AT-A. GRCh37 (hg19) VCF-style: chr16-3558383-AT-A.
Other names: c.315del, p.Leu104_Tyr105insTer (NM_001330454.2).
Identifiers: ClinVar variation 4730666 (VCV004730666.1).